The following is an entry in ClinVar:

NC_000012.11:g.(?_32772622)_(33049675_?)dup

Genes: DNM1L (dynamin 1 like; plus strand), FGD4 (FYVE, RhoGEF and PH domain containing 4; plus strand), PKP2 (plakophilin 2; minus strand), YARS2 (tyrosyl-tRNA synthetase 2; minus strand). Cytogenetic location: 12p11.21.
Variant type: Duplication.
Identifiers: ClinVar variation 1064177 (VCV001064177.1).

ClinVar aggregate classification (germline): Uncertain significance (1 of 4 stars; one submission).

Conditions:
Arrhythmogenic right ventricular dysplasia 9 (ARVD9). Also called: Arrhythmogenic Right Ventricular Dysplasia/Cardiomyopathy 9; ARRHYTHMOGENIC RIGHT VENTRICULAR DYSPLASIA, FAMILIAL, 9. Identifiers: MedGen C1836906, MONDO:0012180, OMIM 609040.

Submission:

Labcorp Genetics (formerly Invitae), Labcorp
Classification: Uncertain significance for Arrhythmogenic right ventricular dysplasia 9. Last evaluated: 2020-10-20. Review status: criteria provided, single submitter. Criteria: Invitae Variant Classification Sherloc (09022015). Collection method: clinical testing. Allele origin: germline.
Comment: A copy number gain of the genomic region encompassing the full coding sequence of the PKP2 gene has been identified. The boundaries of this event are unknown as they extend beyond the assayed region for this gene and therefore may encompass additional genes. As the precise location of this event is unknown, it may be in tandem or it may be located elsewhere in the genome. This variant has been observed in individual(s) with left ventricular noncompaction (LVNC) (PMID: 27066507). Experimental studies and prediction algorithms are not available or were not evaluated, and the functional significance of this variant is currently unknown. In summary, the available evidence is currently insufficient to determine the role of this variant in disease. Therefore, it has been classified as a Variant of Uncertain Significance.

Literature cited by the submitters: PubMed 27066507.